The following is an entry in ClinVar:

NM_006269.2(RP1):c.4239A>C (p.Lys1413Asn)

Gene: RP1 (RP1 axonemal microtubule associated; plus strand). Cytogenetic location: 8q12.1.
Variant type: single nucleotide variant.
Coding change: c.4239A>C on transcript NM_006269.2 (MANE Select); coding-DNA position 4239, A replaced by C.
Protein change: p.Lys1413Asn; replaces lysine 1413 with asparagine.
Molecular consequence: missense variant. On other transcripts: intron variant (1).
Genome position (GRCh38, 1-based): chr8:54,628,121, A>C. VCF-style: chr8-54628121-A-C. GRCh37 (hg19) VCF-style: chr8-55540681-A-C.
Other names: c.787+5833A>C (NM_001375654.1); short protein forms K1413N.
Identifiers: ClinVar variation 1717461 (VCV001717461.5), dbSNP rs757025790, ClinGen allele CA4751824.

ClinVar aggregate classification (germline): Uncertain significance (1 of 4 stars; one submission).

Allele frequency attached by ClinVar (database versions not stated): ExAC 0.00002.
gnomAD v4.1: 27 of 1,614,028 alleles (0.0017%); highest among the groups gnomAD compares: Non-Finnish European, 0.0023%; no homozygotes.

Submission:

Labcorp Genetics (formerly Invitae), Labcorp
Classification: Uncertain significance. Last evaluated: 2022-08-21. Review status: criteria provided, single submitter. Criteria: Invitae Variant Classification Sherloc (09022015). Collection method: clinical testing. Allele origin: germline.
Comment: In summary, the available evidence is currently insufficient to determine the role of this variant in disease. Therefore, it has been classified as a Variant of Uncertain Significance. Algorithms developed to predict the effect of missense changes on protein structure and function output the following: SIFT: "Tolerated"; PolyPhen-2: "Benign"; Align-GVGD: "Class C0". The asparagine amino acid residue is found in multiple mammalian species, which suggests that this missense change does not adversely affect protein function. This variant has not been reported in the literature in individuals affected with RP1-related conditions. This variant is present in population databases (rs757025790, gnomAD 0.002%). This sequence change replaces lysine, which is basic and polar, with asparagine, which is neutral and polar, at codon 1413 of the RP1 protein (p.Lys1413Asn).